The following is an entry in ClinVar:

ClinVar aggregate classification (germline): Conflicting classifications of pathogenicity. Review status: criteria provided, conflicting classifications (1 of 4 stars). 2 submissions from 2 submitters: Pathogenic (1); Uncertain significance (1). Last evaluated 2025-01-09.

Conditions:
Autosomal recessive nonsyndromic hearing loss 3. Also called: NEUROSENSORY NONSYNDROMIC RECESSIVE DEAFNESS 3. Identifiers: Orphanet 90636, MedGen C1838263, MONDO:0010860, OMIM 600316.

Allele frequency attached by ClinVar (database versions not stated): gnomAD exomes below 0.00001; gnomAD 0.00001.
gnomAD v4.1: 1 of 1,613,994 alleles (0.000062%); highest among the groups gnomAD compares: Admixed American, 0.0017%; no homozygotes.

Submissions (2):

Institute of Rare Diseases, West China Hospital, Sichuan University
Classification: Pathogenic for Autosomal recessive nonsyndromic hearing loss 3. Last evaluated: 2025-01-09. Review status: criteria provided, single submitter. Criteria: ClinGen HL ACMG Specifications v1. Collection method: research. Allele origin: germline. Affected: yes.
Comment: PM3_VeryStrong;PP1;PM2_Supporting;PP3

GeneDx
Classification: Uncertain significance. Last evaluated: 2019-05-20. Review status: criteria provided, single submitter. Criteria: GeneDx Variant Classification Process June 2021. Collection method: clinical testing. Allele origin: germline. Affected: yes.
Comment: Not observed at a significant frequency in large population cohorts (Lek et al., 2016); In silico analysis, which includes protein predictors and evolutionary conservation, supports a deleterious effect; Has not been previously published as pathogenic or benign to our knowledge

NM_016239.4(MYO15A):c.5597T>C (p.Leu1866Pro)

Gene: MYO15A (myosin XVA; plus strand). Cytogenetic location: 17p11.2.
Variant type: single nucleotide variant.
Coding change: c.5597T>C on transcript NM_016239.4 (MANE Select); coding-DNA position 5597, T replaced by C.
Protein change: p.Leu1866Pro; replaces leucine 1866 with proline.
Molecular consequence: missense variant.
Genome position (GRCh38, 1-based): chr17:18,141,718, T>C. VCF-style: chr17-18141718-T-C. GRCh37 (hg19) VCF-style: chr17-18045032-T-C.
Other names: short protein forms L1866P.
Identifiers: ClinVar variation 1305817 (VCV001305817.3), dbSNP rs1240823956, ClinGen allele CA398602746.
Genomic context (GRCh38, chr17:18,141,718, plus strand): 5'-GCTGTCTAGTGGCCCTCAAGCATGACCTGCCGGCTAATGGGGACATGTGTGTGTCAGTGC[T>C]GAGTCGCCTGTGCAAAGTCATGCCAAACATGTACCGTGTTGGGGTCAGCAAGGTGAGTCC-3'
Protein context (NP_057323.3, residues 1856-1876): PANGDMCVSV[Leu1866Pro]SRLCKVMPNM